The following is an entry in ClinVar:

NM_014714.4(IFT140):c.1703G>A (p.Gly568Glu)

Gene: IFT140 (intraflagellar transport 140; minus strand). Cytogenetic location: 16p13.3.
Variant type: single nucleotide variant.
Coding change: c.1703G>A on transcript NM_014714.4 (MANE Select); coding-DNA position 1703, G replaced by A.
Protein change: p.Gly568Glu; replaces glycine 568 with glutamic acid.
Molecular consequence: missense variant.
Genome position (GRCh38, 1-based): chr16:1,568,284, C>T on the plus strand (G>A on the coding strand, the complement: IFT140 is on the minus strand). VCF-style: chr16-1568284-C-T. GRCh37 (hg19) VCF-style: chr16-1618285-C-T.
Other names: short protein forms G568E.
Identifiers: ClinVar variation 1409426 (VCV001409426.8), dbSNP rs768821637, ClinGen allele CA394207425.
Genomic context (GRCh38, chr16:1,568,284, plus strand): 5'-GGGAGGATGCTGATGGTGCTCCCGCTGCTGCTGCACCGCAGAGAAGCGATGCCCCCCACC[C>T]CAGGGACCAGCTCCGCCAGGCTCCTGCAGCTACAGTGTGCTTTGGCCTCTCTGCAGGGAG-3'
Protein context (NP_055529.2, residues 558-578): SCRSLAELVP[Gly568Glu]VGGIASLRCS

ClinVar aggregate classification (germline): Uncertain significance (1 of 4 stars; one submission).

Conditions:
Saldino-Mainzer syndrome (SRTD9). Also called: CONORENAL SYNDROME; Renal dysplasia, retinal pigmentary dystrophy, cerebellar ataxia and skeletal dysplasia; SHORT-RIB THORACIC DYSPLASIA 9 WITHOUT POLYDACTYLY; short-rib thoracic dysplasia 9 with or without polydactyly. Identifiers: Orphanet 140969, MedGen C1849437, MONDO:0009964, OMIM 266920.

Submission:

Labcorp Genetics (formerly Invitae), Labcorp
Classification: Uncertain significance for Saldino-Mainzer syndrome. Last evaluated: 2022-06-13. Review status: criteria provided, single submitter. Criteria: Invitae Variant Classification Sherloc (09022015). Collection method: clinical testing. Allele origin: germline.
Comment: In summary, the available evidence is currently insufficient to determine the role of this variant in disease. Therefore, it has been classified as a Variant of Uncertain Significance. Algorithms developed to predict the effect of missense changes on protein structure and function (SIFT, PolyPhen-2, Align-GVGD) all suggest that this variant is likely to be tolerated. This variant has not been reported in the literature in individuals affected with IFT140-related conditions. This variant is not present in population databases (gnomAD no frequency). This sequence change replaces glycine, which is neutral and non-polar, with glutamic acid, which is acidic and polar, at codon 568 of the IFT140 protein (p.Gly568Glu).